The following is an entry in ClinVar:

NM_001079866.2(BCS1L):c.249C>A (p.Tyr83Ter)

Gene: BCS1L (BCS1 ubiquinol-cytochrome c reductase complex chaperone; plus strand). Cytogenetic location: 2q35.
Variant type: single nucleotide variant.
Coding change: c.249C>A on transcript NM_001079866.2 (MANE Select); coding-DNA position 249, C replaced by A.
Protein change: p.Tyr83Ter; replaces tyrosine 83 with a stop codon.
Molecular consequence: nonsense. On other transcripts: 5 prime UTR variant (5), non-coding transcript variant (1), intron variant (3).
Genome position (GRCh38, 1-based): chr2:218,661,236, C>A. VCF-style: chr2-218661236-C-A. GRCh37 (hg19) VCF-style: chr2-219525959-C-A.
Other names: c.249C>A, p.Tyr83Ter (NM_001257342.2, NM_001257343.2, NM_001257344.2 and 10 more transcripts); c.-228C>A (NM_001371453.1, NM_001371454.1, NM_001371455.1 and 2 more transcripts); c.-40-170C>A (NM_001371451.1, NM_001318836.2); c.-41-523C>A (NM_001371452.1); short protein forms Y83*.
Identifiers: ClinVar variation 5006212 (VCV005006212.2).

ClinVar aggregate classification (germline): Likely pathogenic (1 of 4 stars; one submission).

Conditions:
GRACILE syndrome (FLNMS). Also called: FELLMAN SYNDROME; FINNISH LETHAL NEONATAL METABOLIC SYNDROME. Identifiers: Orphanet 53693, MedGen C1864002, MONDO:0011308, OMIM 603358.
Pili torti-deafness syndrome (BJS). Also called: PILI TORTI AND NERVE DEAFNESS; Bjornstad syndrome. Identifiers: Orphanet 123, MedGen C0266006, MONDO:0009872, OMIM 262000.
Mitochondrial complex III deficiency nuclear type 1. Identifiers: Orphanet 254902, MedGen C3541471, MONDO:0007415, OMIM 124000.

Submission:

Juno Genomics, Hangzhou Juno Genomics, Inc
Classification: Likely pathogenic for Pili torti-deafness syndrome; GRACILE syndrome; Mitochondrial complex III deficiency nuclear type 1. Review status: criteria provided, single submitter. Criteria: ACMG Guidelines, 2015. Collection method: clinical testing. Allele origin: germline.
Comment: Null variant in a gene where loss of function (LOF) is a known mechanism of disease.;Absent from controls (or at extremely low frequency if recessive) in Genome Aggregation Database.